The following is an entry in ClinVar:

NM_001386140.1(MTTP):c.1877G>A (p.Arg626His)

Gene: MTTP (microsomal triglyceride transfer protein; plus strand). Cytogenetic location: 4q23.
Variant type: single nucleotide variant.
Coding change: c.1877G>A on transcript NM_001386140.1 (MANE Select); coding-DNA position 1877, G replaced by A.
Protein change: p.Arg626His; replaces arginine 626 with histidine.
Molecular consequence: missense variant.
Genome position (GRCh38, 1-based): chr4:99,611,341, G>A. VCF-style: chr4-99611341-G-A. GRCh37 (hg19) VCF-style: chr4-100532498-G-A.
Other names: c.1877G>A, p.Arg626His (NM_000253.4); c.1628G>A, p.Arg543His (NM_001300785.2); short protein forms R543H, R626H.
Identifiers: ClinVar variation 1299919 (VCV001299919.4), dbSNP rs568076672, ClinGen allele CA3022236.

ClinVar aggregate classification (germline): Uncertain significance. Review status: criteria provided, single submitter (1 of 4 stars). 3 submissions from 3 submitters: Uncertain significance (1). 2 of the submissions do not count toward it. Last evaluated 2022-10-25.

Allele frequency attached by ClinVar (database versions not stated): gnomAD 0.00001 and 0.00003; gnomAD exomes 0.00014; ExAC 0.00016; 1000 Genomes Project 0.00020; 1000 Genomes Project 30x 0.00031.
gnomAD v4.1: 91 of 1,613,974 alleles (0.0056%); highest among the groups gnomAD compares: South Asian, 0.087%; no homozygotes.

Submissions (3):

Labcorp Genetics (formerly Invitae), Labcorp
Classification: Uncertain significance. Last evaluated: 2022-10-25. Review status: criteria provided, single submitter. Criteria: Invitae Variant Classification Sherloc (09022015). Collection method: clinical testing. Allele origin: germline.
Comment: This sequence change replaces arginine, which is basic and polar, with histidine, which is basic and polar, at codon 626 of the MTTP protein (p.Arg626His). This variant is present in population databases (rs568076672, gnomAD 0.1%). This variant has not been reported in the literature in individuals affected with MTTP-related conditions. ClinVar contains an entry for this variant (Variation ID: 1299919). Advanced modeling of protein sequence and biophysical properties (such as structural, functional, and spatial information, amino acid conservation, physicochemical variation, residue mobility, and thermodynamic stability) performed at Invitae indicates that this missense variant is not expected to disrupt MTTP protein function. In summary, the available evidence is currently insufficient to determine the role of this variant in disease. Therefore, it has been classified as a Variant of Uncertain Significance.

Clinical Genetics DNA and cytogenetics Diagnostics Lab, Erasmus MC, Erasmus Medical Center
Classification: Likely benign. Review status: no assertion criteria provided. Collection method: clinical testing. Allele origin: germline. Affected: yes. Study: VKGL Data-share Consensus. Not counted in ClinVar's aggregate classification.

Clinical Genetics, Academic Medical Center
Classification: Likely benign. Review status: no assertion criteria provided. Collection method: clinical testing. Allele origin: germline. Affected: yes. Study: VKGL Data-share Consensus. Not counted in ClinVar's aggregate classification.